The following is an entry in ClinVar:

ClinVar aggregate classification (germline): Likely benign. Review status: criteria provided, multiple submitters, no conflicts (2 of 4 stars). 2 submissions from 2 submitters: Likely benign (2). Last evaluated 2023-07-16.

Submissions (2):

Labcorp Genetics (formerly Invitae), Labcorp
Classification: Likely benign. Last evaluated: 2023-07-16. Review status: criteria provided, single submitter. Criteria: Invitae Variant Classification Sherloc (09022015). Collection method: clinical testing. Allele origin: germline.

GeneDx
Classification: Likely benign. Last evaluated: 2016-10-20. Review status: criteria provided, single submitter. Criteria: GeneDx Variant Classification (06012015). Collection method: clinical testing. Allele origin: germline. Affected: yes.
Comment: This variant is considered likely benign or benign based on one or more of the following criteria: it is a conservative change, it occurs at a poorly conserved position in the protein, it is predicted to be benign by multiple in silico algorithms, and/or has population frequency not consistent with disease.

NM_080680.3(COL11A2):c.4689C>T (p.Thr1563=)

Gene: COL11A2 (collagen type XI alpha 2 chain; minus strand). Cytogenetic location: 6p21.32.
Variant type: single nucleotide variant.
Coding change: c.4689C>T on transcript NM_080680.3 (MANE Select); coding-DNA position 4689, C replaced by T.
Protein change: p.Thr1563=; no amino-acid change (threonine 1563 retained).
Molecular consequence: synonymous variant.
Genome position (GRCh38, 1-based): chr6:33,165,610, G>A on the plus strand (C>T on the coding strand, the complement: COL11A2 is on the minus strand). VCF-style: chr6-33165610-G-A. GRCh37 (hg19) VCF-style: chr6-33133387-G-A.
Other names: c.4368C>T, p.Thr1456= (NM_080679.3); c.4431C>T, p.Thr1477= (NM_080681.3).
Identifiers: ClinVar variation 390146 (VCV000390146.4), dbSNP rs1057523656, ClinGen allele CA16605522.